The following is an entry in ClinVar:

NM_005609.4(PYGM):c.1888G>A (p.Val630Met)

Gene: PYGM (glycogen phosphorylase, muscle associated; minus strand). Cytogenetic location: 11q13.1.
Variant type: single nucleotide variant.
Coding change: c.1888G>A on transcript NM_005609.4 (MANE Select); coding-DNA position 1888, G replaced by A.
Protein change: p.Val630Met; replaces valine 630 with methionine.
Molecular consequence: missense variant.
Genome position (GRCh38, 1-based): chr11:64,751,406, C>T on the plus strand (G>A on the coding strand, the complement: PYGM is on the minus strand). VCF-style: chr11-64751406-C-T. GRCh37 (hg19) VCF-style: chr11-64518878-C-T.
Other names: p.Val630Met; c.1624G>A, p.Val542Met (NM_001164716.1); short protein forms V630M, V542M.
Identifiers: ClinVar variation 496875 (VCV000496875.25), dbSNP rs115347245, ClinGen allele CA6079683.

ClinVar aggregate classification (germline): Conflicting classifications of pathogenicity. Review status: criteria provided, conflicting classifications (1 of 4 stars). 9 submissions from 9 submitters: Uncertain significance (4); Benign (1); Likely benign (3). 1 of the submissions does not count toward it. Last evaluated 2026-01-21.

Conditions:
Glycogen storage disease, type V (GSD5). Also called: McArdle type glycogen storage disease; MCARDLE DISEASE; MUSCLE GLYCOGEN PHOSPHORYLASE DEFICIENCY; MYOPHOSPHORYLASE DEFICIENCY; PYGM DEFICIENCY. Identifiers: Orphanet 368, MedGen C0017924, MONDO:0009293, OMIM 232600.
Tip-toe gait. Also called: Toe walking. Identifiers: MedGen C0427144, HP:0030051.
Inborn genetic diseases. Identifiers: MedGen C0950123, MeSH D030342.

Allele frequency attached by ClinVar (database versions not stated): 1000 Genomes Project 0.00080; gnomAD 0.00160 and 0.00152; TOPMed 0.00158; ExAC 0.00037; ESP Exome Variant Server 0.00108; gnomAD exomes 0.00011 and 0.00028; 1000 Genomes Project 30x 0.00078.
gnomAD v4.1: 399 of 1,614,178 alleles (0.025%); highest among the groups gnomAD compares: African/African-American, 0.49%; 1 homozygote.

Submissions (9):

Ambry Genetics
Classification: Uncertain significance for Inborn genetic diseases. Last evaluated: 2026-01-21. Review status: criteria provided, single submitter. Criteria: Ambry Variant Classification Scheme 2023. Collection method: clinical testing. Allele origin: germline.
Comment: The c.1888G>A (p.V630M) alteration is located in exon 16 (coding exon 16) of the PYGM gene. This alteration results from a G to A substitution at nucleotide position 1888, causing the valine (V) at amino acid position 630 to be replaced by a methionine (M). Based on data from gnomAD, the A allele has an overall frequency of 0.041% (115/282796) total alleles studied. The highest observed frequency was 0.441% (110/24968) of African alleles. Based on insufficient or conflicting evidence, the clinical significance of this alteration remains unclear.

Labcorp Genetics (formerly Invitae), Labcorp
Classification: Likely benign for Glycogen storage disease, type V. Last evaluated: 2026-01-18. Review status: criteria provided, single submitter. Criteria: Invitae Variant Classification Sherloc (09022015). Collection method: clinical testing. Allele origin: germline.

Revvity Omics, Revvity
Classification: Uncertain significance for Glycogen storage disease, type V. Last evaluated: 2025-01-22. Review status: criteria provided, single submitter. Criteria: ACMG Guidelines, 2015. Collection method: clinical testing. Allele origin: germline.

Blueprint Genetics
Classification: Uncertain significance. Last evaluated: 2024-11-26. Review status: criteria provided, single submitter. Criteria: ACMG Guidelines, 2015. Collection method: clinical testing. Allele origin: germline.

Mayo Clinic Laboratories, Mayo Clinic
Classification: Uncertain significance. Last evaluated: 2024-05-21. Review status: criteria provided, single submitter. Criteria: ACMG Guidelines, 2015. Collection method: clinical testing. Allele origin: germline. Observed: 3 variant alleles.
Comment: BS1

Practice for Gait Abnormalities, David Pomarino, Competency Network Toe Walking C/o Practice Pomarino
Classification: Benign for Tip-toe gait. Last evaluated: 2022-08-09. Review status: criteria provided, single submitter. Criteria: Pomarino et al. (J Musculoskelet Neuronal Interact. 2026). Collection method: clinical testing. Allele origin: germline. Affected: yes.

GeneDx
Classification: Likely benign. Last evaluated: 2018-06-04. Review status: criteria provided, single submitter. Criteria: GeneDx Variant Classification (06012015). Collection method: clinical testing. Allele origin: germline. Affected: yes.
Comment: This variant is considered likely benign or benign based on one or more of the following criteria: it is a conservative change, it occurs at a poorly conserved position in the protein, it is predicted to be benign by multiple in silico algorithms, and/or has population frequency not consistent with disease.

Eurofins Ntd Llc (ga)
Classification: Likely benign. Last evaluated: 2017-06-30. Review status: criteria provided, single submitter. Criteria: EGL Classification Definitions 2015. Collection method: clinical testing. Allele origin: germline. Observed: 3 variant alleles, 3 heterozygotes.

Natera, Inc.
Classification: Likely benign for Glycogen storage disease V. Last evaluated: 2019-11-11. Review status: no assertion criteria provided. Collection method: clinical testing. Allele origin: germline. Not counted in ClinVar's aggregate classification.